The following is an entry in ClinVar:

NM_001267550.2(TTN):c.16825G>A (p.Glu5609Lys)

Genes: TTN (titin; minus strand), LOC126806431 (CDK7 strongly-dependent group 2 enhancer GRCh37_chr2:179595719-179596918; plus strand). Cytogenetic location: 2q31.2.
Variant type: single nucleotide variant.
Coding change: c.16825G>A on transcript NM_001267550.2 (MANE Select); coding-DNA position 16825, G replaced by A.
Protein change: p.Glu5609Lys; replaces glutamic acid 5609 with lysine.
Molecular consequence: missense variant. On other transcripts: intron variant (3).
Genome position (GRCh38, 1-based): chr2:178,732,144, C>T on the plus strand (G>A on the coding strand, the complement: TTN is on the minus strand). VCF-style: chr2-178732144-C-T. GRCh37 (hg19) VCF-style: chr2-179596871-C-T.
Other names: c.15874G>A, p.Glu5292Lys (NM_001256850.1); c.13093G>A, p.Glu4365Lys (NM_133378.4); c.13282+5938G>A (NM_003319.4); c.13858+5938G>A (NM_133437.4); c.13657+5938G>A (NM_133432.3); short protein forms E5609K, E4365K, E5292K.
Identifiers: ClinVar variation 405141 (VCV000405141.10), dbSNP rs374682077, ClinGen allele CA2001974.

ClinVar aggregate classification (germline): Uncertain significance. Review status: criteria provided, multiple submitters, no conflicts (2 of 4 stars). 5 submissions from 5 submitters: Uncertain significance (4). 1 of the submissions does not count toward it. Last evaluated 2026-07-20.

Conditions:
TTN-related disorder. Also called: TTN-related disorders; TTN-related condition; TTN-related disease.
Autosomal recessive limb-girdle muscular dystrophy type 2J (LGMDR10). Also called: Limb-girdle muscular dystrophy, type 2J; MUSCULAR DYSTROPHY, LIMB-GIRDLE, AUTOSOMAL RECESSIVE 10. Identifiers: Orphanet 140922, MedGen C1837342, MONDO:0012127, OMIM 608807.
Dilated cardiomyopathy 1G (CMD1G). Identifiers: Orphanet 154, MedGen C1858763, MONDO:0011400, OMIM 604145.
Early-onset myopathy with fatal cardiomyopathy (CMYO5). Also called: Salih Myopathy; CONGENITAL MYOPATHY 5 WITH CARDIOMYOPATHY. Identifiers: Orphanet 289377, MedGen C2673677, MONDO:0012714, OMIM 611705. Disease mechanism: loss of function.
Hypertrophic cardiomyopathy 9. Also called: Familial hypertrophic cardiomyopathy 9. Identifiers: MedGen C1861065, MONDO:0013412, OMIM 613765.
Myopathy, myofibrillar, 9, with early respiratory failure (MFM9). Also called: Hereditary myopathy with early respiratory failure; MYOPATHY, PROXIMAL, WITH EARLY RESPIRATORY MUSCLE INVOLVEMENT; EDSTROM MYOPATHY; Myopathy, distal, with early respiratory failure, autosomal dominant. Identifiers: Orphanet 178464, Orphanet 34521, MedGen C1863599, MONDO:0011362, OMIM 603689.
Tibial muscular dystrophy (TMD). Also called: UDD MYOPATHY; Tibial muscular dystrophy, tardive; Udd Distal Myopathy – Tibial Muscular Dystrophy. Identifiers: Orphanet 609, MedGen C1838244, MONDO:0010870, OMIM 600334.

Allele frequency attached by ClinVar (database versions not stated): gnomAD exomes 0.00001 and 0.00002; ExAC 0.00002; TOPMed 0.00006; gnomAD 0.00007 and 0.00009; ESP Exome Variant Server 0.00008; 1000 Genomes Project 30x 0.00016.
gnomAD v4.1: 33 of 1,613,754 alleles (0.002%); highest among the groups gnomAD compares: African/African-American, 0.017%; no homozygotes.

Submissions (5):

PreventionGenetics, part of Exact Sciences
Classification: Uncertain significance for TTN-related condition. Last evaluated: 2026-07-20. Review status: criteria provided, single submitter. Criteria: ACMG Guidelines, 2015. Collection method: clinical testing. Allele origin: germline.
Comment: The TTN c.16825G>A variant is predicted to result in the amino acid substitution p.Glu5609Lys. To our knowledge, this variant has not been reported in the literature. This variant is reported in 0.017% of alleles in individuals of African descent in gnomAD. At this time, the clinical significance of this variant is uncertain due to the absence of conclusive functional and genetic evidence.

Fulgent Genetics
Classification: Uncertain significance for Tibial muscular dystrophy; Myopathy, myofibrillar, 9, with early respiratory failure; Dilated cardiomyopathy 1G; Autosomal recessive limb-girdle muscular dystrophy type 2J; Early-onset myopathy with fatal cardiomyopathy; Hypertrophic cardiomyopathy 9. Last evaluated: 2021-07-05. Review status: criteria provided, single submitter. Criteria: ACMG Guidelines, 2015. Collection method: clinical testing. Allele origin: unknown.

Eurofins Ntd Llc (ga)
Classification: Uncertain significance. Last evaluated: 2018-03-14. Review status: criteria provided, single submitter. Criteria: EGL ClinVar v180209 classification definitions. Collection method: clinical testing. Allele origin: germline. Observed: 1 variant allele, 1 heterozygote.

Labcorp Genetics (formerly Invitae), Labcorp
Classification: Uncertain significance for Dilated cardiomyopathy 1G; Autosomal recessive limb-girdle muscular dystrophy type 2J. Last evaluated: 2016-12-15. Review status: criteria provided, single submitter. Criteria: Invitae Variant Classification Sherloc (09022015). Collection method: clinical testing. Allele origin: germline.

Division of Human Genetics, Children's Hospital of Philadelphia
Classification: Uncertain significance for Dilated cardiomyopathy 1G; Tibial muscular dystrophy; Autosomal recessive limb-girdle muscular dystrophy type 2J; Early-onset myopathy with fatal cardiomyopathy; Myopathy, myofibrillar, 9, with early respiratory failure; Hypertrophic cardiomyopathy 9. Last evaluated: 2016-02-10. Review status: no assertion criteria provided. Collection method: research. Allele origin: paternal. Affected: yes. Study: CSER-PediSeq. Not counted in ClinVar's aggregate classification.